The following is an entry in ClinVar:

Single allele

Genes: PNPLA4 (patatin like phospholipase domain containing 4; minus strand), PUDP (pseudouridine 5'-phosphatase; minus strand), STS (steroid sulfatase; plus strand), VCX (variable charge X-linked; plus strand). Cytogenetic location: Xp22.31.
Variant type: Deletion.
Identifiers: ClinVar variation 2671626 (VCV002671626.1).

ClinVar aggregate classification (germline): Pathogenic (1 of 4 stars; one submission).

Submission:

Illumina Laboratory Services, Illumina
Classification: Pathogenic. Last evaluated: 2023-06-12. Review status: criteria provided, single submitter. Criteria: ICSL CNVClassificationCriteria Aug2020. Collection method: clinical testing. Allele origin: unknown.
Comment: This CNV is a 1.68 Mb deletion of Xp22.31 on the X chromosome, (seq[GRCh37]del(X)(p22.31); chrX:g.6453342_8137213del), which is inherited. This event encompasses at least six genes, including MIR4767, MIR651, PNPLA4, PUDP, STS and VCX. Similar CNVs have been reported in several affected males in the literature (PMID: 17113756; 18076704; 23791652; 23807007). Based on the collective evidence, this CNV is classified as pathogenic.